The following is an entry in ClinVar:

NM_001267550.2(TTN):c.104069G>T (p.Gly34690Val)

Genes: TTN-AS1 (TTN antisense RNA 1; plus strand), TTN (titin; minus strand). Cytogenetic location: 2q31.2.
Variant type: single nucleotide variant.
Coding change: c.104069G>T on transcript NM_001267550.2 (MANE Select); coding-DNA position 104069, G replaced by T.
Protein change: p.Gly34690Val; replaces glycine 34690 with valine.
Molecular consequence: missense variant.
Genome position (GRCh38, 1-based): chr2:178,532,546, C>A on the plus strand (G>T on the coding strand, the complement: TTN is on the minus strand). VCF-style: chr2-178532546-C-A. GRCh37 (hg19) VCF-style: chr2-179397273-C-A.
Other names: c.99146G>T, p.Gly33049Val (NM_001256850.1); c.76874G>T, p.Gly25625Val (NM_003319.4); c.96365G>T, p.Gly32122Val (NM_133378.4); c.77249G>T, p.Gly25750Val (NM_133432.3); c.77450G>T, p.Gly25817Val (NM_133437.4); short protein forms G34690V, G25750V, G33049V, G25625V, G25817V, G32122V.
Identifiers: ClinVar variation 534980 (VCV000534980.8), dbSNP rs964554853, ClinGen allele CA60956490.

ClinVar aggregate classification (germline): Uncertain significance. Review status: criteria provided, single submitter (1 of 4 stars). 2 submissions from 2 submitters: Uncertain significance (1). 1 of the submissions does not count toward it. Last evaluated 2024-05-06.

Conditions:
TTN-related disorder. Also called: TTN-related disorders; TTN-related condition; TTN-related disease.
Autosomal recessive limb-girdle muscular dystrophy type 2J (LGMDR10). Also called: Limb-girdle muscular dystrophy, type 2J; MUSCULAR DYSTROPHY, LIMB-GIRDLE, AUTOSOMAL RECESSIVE 10. Identifiers: Orphanet 140922, MedGen C1837342, MONDO:0012127, OMIM 608807.
Dilated cardiomyopathy 1G (CMD1G). Identifiers: Orphanet 154, MedGen C1858763, MONDO:0011400, OMIM 604145.

Submissions (2):

Labcorp Genetics (formerly Invitae), Labcorp
Classification: Uncertain significance for Dilated cardiomyopathy 1G; Autosomal recessive limb-girdle muscular dystrophy type 2J. Last evaluated: 2024-05-06. Review status: criteria provided, single submitter. Criteria: Invitae Variant Classification Sherloc (09022015). Collection method: clinical testing. Allele origin: germline.
Comment: This sequence change replaces glycine, which is neutral and non-polar, with valine, which is neutral and non-polar, at codon 34690 of the TTN protein (p.Gly34690Val). This variant is not present in population databases (gnomAD no frequency). This variant has not been reported in the literature in individuals affected with TTN-related conditions. ClinVar contains an entry for this variant (Variation ID: 534980). Experimental studies and prediction algorithms are not available or were not evaluated, and the functional significance of this variant is currently unknown. This variant is located in the M band of TTN (PMID: 25589632). Non-truncating variants in this region may be relevant for neuromuscular disorders, but have not been definitively shown to cause cardiomyopathy (PMID: 23975875). In summary, the available evidence is currently insufficient to determine the role of this variant in disease. Therefore, it has been classified as a Variant of Uncertain Significance.

PreventionGenetics, part of Exact Sciences
Classification: Uncertain significance for TTN-related condition. Last evaluated: 2024-09-06. Review status: no assertion criteria provided. Collection method: clinical testing. Allele origin: germline. Not counted in ClinVar's aggregate classification.
Comment: The TTN c.104069G>T variant is predicted to result in the amino acid substitution p.Gly34690Val. To our knowledge, this variant has not been reported in the literature or in a large population database, indicating this variant is rare. At this time, the clinical significance of this variant is uncertain due to the absence of conclusive functional and genetic evidence.

Literature cited by the submitters: PubMed 25589632 (cited by Labcorp Genetics (formerly Invitae), Labcorp); PubMed 23975875 (cited by Labcorp Genetics (formerly Invitae), Labcorp).